The following is an entry in ClinVar:

NM_007175.8(ERLIN2):c.853A>T (p.Lys285Ter)

Gene: ERLIN2 (ER lipid raft associated 2; plus strand). Cytogenetic location: 8p11.23.
Variant type: single nucleotide variant.
Coding change: c.853A>T on transcript NM_007175.8 (MANE Select); coding-DNA position 853, A replaced by T.
Protein change: p.Lys285Ter; replaces lysine 285 with a stop codon.
Molecular consequence: nonsense.
Genome position (GRCh38, 1-based): chr8:37,753,948, A>T. VCF-style: chr8-37753948-A-T. GRCh37 (hg19) VCF-style: chr8-37611466-A-T.
Other names: c.853A>T, p.Lys285Ter (NM_001362878.2); short protein forms K285*.
Identifiers: ClinVar variation 959955 (VCV000959955.6), dbSNP rs1803294545, ClinGen allele CA370662526.

ClinVar aggregate classification (germline): Pathogenic (1 of 4 stars; one submission).

Conditions:
Spastic paraplegia. Identifiers: MedGen C0037772, HP:0001258.

Allele frequency attached by ClinVar (database versions not stated): gnomAD exomes 0.00001.

Submission:

Labcorp Genetics (formerly Invitae), Labcorp
Classification: Pathogenic for Spastic paraplegia. Last evaluated: 2023-07-14. Review status: criteria provided, single submitter. Criteria: Invitae Variant Classification Sherloc (09022015). Collection method: clinical testing. Allele origin: germline.
Comment: For these reasons, this variant has been classified as Pathogenic. This variant disrupts a region of the ERLIN2 protein in which other variant(s) (p.Asp300Val) have been determined to be pathogenic (PMID: 28832565; Invitae). This suggests that this is a clinically significant region of the protein, and that variants that disrupt it are likely to be disease-causing. ClinVar contains an entry for this variant (Variation ID: 959955). This variant has not been reported in the literature in individuals affected with ERLIN2-related conditions. This variant is not present in population databases (gnomAD no frequency). This sequence change creates a premature translational stop signal (p.Lys285*) in the ERLIN2 gene. While this is not anticipated to result in nonsense mediated decay, it is expected to disrupt the last 55 amino acid(s) of the ERLIN2 protein.

Literature cited by the submitters: PubMed 28832565.